The following is an entry in ClinVar:

ClinVar aggregate classification (germline): Benign (1 of 4 stars; one submission).

Allele frequency attached by ClinVar (database versions not stated): 1000 Genomes Project 30x 0.14288; 1000 Genomes Project 0.14677; TOPMed 0.20421; gnomAD 0.20692 and 0.20953.
gnomAD v4.1: 31,583 of 151,976 alleles (21%); highest among the groups gnomAD compares: Non-Finnish European, 28%; 3,761 homozygotes.

Submission:

GeneDx
Classification: Benign. Last evaluated: 2018-06-18. Review status: criteria provided, single submitter. Criteria: GeneDx Variant Classification (06012015). Collection method: clinical testing. Allele origin: germline. Affected: yes.
Comment: This variant is considered likely benign or benign based on one or more of the following criteria: it is a conservative change, it occurs at a poorly conserved position in the protein, it is predicted to be benign by multiple in silico algorithms, and/or has population frequency not consistent with disease.

NM_018699.4(PRDM5):c.1443+287C>G

Gene: PRDM5 (PR/SET domain 5; minus strand). Cytogenetic location: 4q27.
Variant type: single nucleotide variant.
Coding change: c.1443+287C>G on transcript NM_018699.4 (MANE Select); 287 bases into the intron after coding-DNA position 1443, C replaced by G.
Molecular consequence: intron variant.
Genome position (GRCh38, 1-based): chr4:120,780,856, G>C on the plus strand (C>G on the coding strand, the complement: PRDM5 is on the minus strand). VCF-style: chr4-120780856-G-C. GRCh37 (hg19) VCF-style: chr4-121702011-G-C.
Other names: c.1350+287C>G (NM_001300824.2, NM_001379106.1, NM_001300823.2); c.1476+287C>G (NM_001379104.1).
Identifiers: ClinVar variation 683710 (VCV000683710.1), dbSNP rs4833674, ClinGen allele CA105117561.